The following is an entry in ClinVar:

NM_000548.5(TSC2):c.1385G>A (p.Arg462His)

Gene: TSC2 (TSC complex subunit 2; plus strand). Cytogenetic location: 16p13.3.
Variant type: single nucleotide variant.
Coding change: c.1385G>A on transcript NM_000548.5 (MANE Select); coding-DNA position 1385, G replaced by A.
Protein change: p.Arg462His; replaces arginine 462 with histidine.
Molecular consequence: missense variant.
Genome position (GRCh38, 1-based): chr16:2,062,995, G>A. VCF-style: chr16-2062995-G-A. GRCh37 (hg19) VCF-style: chr16-2112996-G-A.
Other names: c.1385G>A, p.Arg462His (NM_001077183.3, NM_001114382.3, NM_001363528.2 and 3 more transcripts); c.1274G>A, p.Arg425His (NM_001318827.2); c.1238G>A, p.Arg413His (NM_001318829.2); c.785G>A, p.Arg262His (NM_001318831.2); c.1418G>A, p.Arg473His (NM_001318832.2); short protein forms R462H, R262H, R413H, R425H, R473H.
Identifiers: ClinVar variation 50193 (VCV000050193.25), dbSNP rs45494392, ClinGen allele CA014699.

ClinVar aggregate classification (germline): Conflicting classifications of pathogenicity. Review status: criteria provided, conflicting classifications (1 of 4 stars). 9 submissions from 9 submitters: Pathogenic (1); Likely pathogenic (2); Uncertain significance (5). 1 of the submissions does not count toward it. Last evaluated 2026-10-07.

Conditions:
Hereditary cancer-predisposing syndrome. Also called: Hereditary neoplastic syndrome; Neoplastic Syndromes, Hereditary; Hereditary Cancer Syndrome; Tumor predisposition. Identifiers: Orphanet 140162, MedGen C0027672, MeSH D009386, MONDO:0015356.
Tuberous sclerosis syndrome (TSC). Also called: Tuberous Sclerosis Complex; Tuberous sclerosis. Identifiers: Orphanet 805, MedGen C0041341, MONDO:0001734.
Isolated focal cortical dysplasia type II (FCORD2). Also called: Focal cortical dysplasia type II; CORTICAL DYSPLASIA OF TAYLOR. Identifiers: Orphanet 268994, MedGen C1846385, MONDO:0011818, OMIM 607341, HP:0032051.
Tuberous sclerosis 2 (TSC2). Identifiers: Orphanet 805, MedGen C1860707, MONDO:0013199, OMIM 613254.

Allele frequency attached by ClinVar (database versions not stated): gnomAD exomes below 0.00001; TOPMed below 0.00001.

Submissions (9):

Cambridge Genomics Laboratory, East Genomic Laboratory Hub, NHS Genomic Medicine Service
Classification: Uncertain significance for Tuberous sclerosis. Last evaluated: 2026-10-07. Review status: criteria provided, single submitter. Criteria: ACGS Best Practice Guidelines for Variant Classification in Rare Disease 2020. Collection method: clinical testing. Allele origin: germline. Affected: yes.
Comment: PS3_Supporting,PM2_Supporting,PP3,PP4

Myriad Genetics, Inc.
Classification: Likely pathogenic for Tuberous sclerosis 2. Last evaluated: 2026-09-18. Review status: criteria provided, single submitter. Criteria: Myriad Autosomal Dominant, Autosomal Recessive and X-Linked Classification Criteria (2023). Collection method: clinical testing. Allele origin: unknown.
Comment: This variant is considered likely pathogenic. This variant has been reported in multiple individuals with clinical features of gene-specific disease [PMID: 40579409, 40376498, 34513752, 38806662, 39726432]. Functional studies indicate this variant impacts protein function [PMID: 21309039]. This variant is expected to disrupt protein structure [Myriad internal data].

GeneDx
Classification: Uncertain significance. Last evaluated: 2026-02-11. Review status: criteria provided, single submitter. Criteria: GeneDx Variant Classification Process June 2021. Collection method: clinical testing. Allele origin: germline. Affected: yes.
Comment: Functional assays demonstrate that the R462H variant results in an unstable protein; detailed clinical information is unavailable (PMID: 21309039); In silico analysis supports that this missense variant has a deleterious effect on protein structure/function; Not observed at significant frequency in large population cohorts (gnomAD); This variant is associated with the following publications: (PMID: 32498851, 37432431, 34513752, 21309039, 39726432, 38806662)

Labcorp Genetics (formerly Invitae), Labcorp
Classification: Pathogenic for Tuberous sclerosis 2. Last evaluated: 2026-01-18. Review status: criteria provided, single submitter. Criteria: Invitae Variant Classification Sherloc (09022015). Collection method: clinical testing. Allele origin: germline.
Comment: This sequence change replaces arginine, which is basic and polar, with histidine, which is basic and polar, at codon 462 of the TSC2 protein (p.Arg462His). This variant is not present in population databases (gnomAD no frequency). This missense change has been observed in individual(s) with tuberous sclerosis complex, as well as in unaffected individuals (PMID: 21520333, 34513752, 37432431, 39726432). Invitae Evidence Modeling of clinical and family history, age, sex, and reported ancestry of multiple individuals with this TSC2 variant has been performed. This variant is expected to be pathogenic with a positive predictive value of at least 99%. This is a validated machine learning model that incorporates the clinical features of 1,224,362 individuals referred to our laboratory for TSC2 testing. ClinVar contains an entry for this variant (Variation ID: 50193). Invitae Evidence Modeling of protein sequence and biophysical properties (such as structural, functional, and spatial information, amino acid conservation, physicochemical variation, residue mobility, and thermodynamic stability) indicates that this missense variant is not expected to disrupt TSC2 protein function with a negative predictive value of 95%. Experimental studies have shown that this missense change affects TSC2 function (PMID: 21309039). For these reasons, this variant has been classified as Pathogenic.

Ambry Genetics
Classification: Likely pathogenic for Hereditary cancer-predisposing syndrome. Last evaluated: 2025-02-07. Review status: criteria provided, single submitter. Criteria: Ambry Variant Classification Scheme 2023. Collection method: clinical testing. Allele origin: germline.
Comment: The p.R462H variant (also known as c.1385G>A), located in coding exon 13 of the TSC2 gene, results from a G to A substitution at nucleotide position 1385. The arginine at codon 462 is replaced by histidine, an amino acid with highly similar properties. This variant has been reported in multiple individuals with features consistent with infantile TSC2-related cardiac rhabdomyomas (Ambry internal data; Qi Y et al. Front Pediatr. 2021 Aug;9:628238; Milon V et al. Eur J Hum Genet. 2024 Dec;32(12):1590-1598; Capal JK et al. Ann Child Neurol Soc. 2024 Jun;2(2):106-119), however, in some cases, additional family members who were identified as carriers reported no clinical features of Tuberous sclerosis complex (Qi Y et al. Front Pediatr. 2021 Aug;9:628238; Milon V et al. Eur J Hum Genet. 2024 Dec;32(12):1590-1598). A functional analysis of this alteration using a transfection-based immunoblot assay indicated this alteration to have phosphorylation higher than wild-type TSC2 and reduced TSC1 binding and stabilization (Hoogeveen-Westerveld M et al. Hum Mutat. 2011 Apr;32:424-35). This amino acid position is highly conserved in available vertebrate species. In addition, this alteration is predicted to be deleterious by in silico analysis. Based on the majority of available evidence to date, this variant is likely to be pathogenic.

Baylor Genetics
Classification: Uncertain significance for Isolated focal cortical dysplasia type II. Last evaluated: 2023-11-02. Review status: criteria provided, single submitter. Criteria: ACMG Guidelines, 2015. Collection method: clinical testing. Allele origin: unknown.

Genome-Nilou Lab
Classification: Uncertain significance for Tuberous sclerosis 2. Last evaluated: 2021-11-07. Review status: criteria provided, single submitter. Criteria: ACMG Guidelines, 2015. Collection method: clinical testing. Allele origin: germline. Affected: no.

Athena Diagnostics
Classification: Uncertain significance. Last evaluated: 2021-10-01. Review status: criteria provided, single submitter. Criteria: Athena Diagnostics Criteria. Collection method: clinical testing. Allele origin: unknown.
Comment: This observation is not an independent occurrence and has been identified in the same individual by RCIGM, the other laboratory participating in the GEMINI study.

Tuberous sclerosis database (TSC2)
No classification provided. Condition: TSC. Review status: no classification provided. Criteria: Tuberous Sclerosis Database Assertion Criteria 2015. Collection method: curation. Allele origin: germline. Affected: yes. Not counted in ClinVar's aggregate classification.

Literature cited by the submitters: PubMed 40579409 (cited by Myriad Genetics, Inc.); PubMed 40376498 (cited by Myriad Genetics, Inc.); PubMed 34513752 (cited by 3 submitters); PubMed 38806662 (cited by Myriad Genetics, Inc. and Ambry Genetics); PubMed 39726432 (cited by 3 submitters); PubMed 21309039 (cited by 3 submitters); PubMed 21520333 (cited by Labcorp Genetics (formerly Invitae), Labcorp); PubMed 37432431 (cited by Labcorp Genetics (formerly Invitae), Labcorp and Ambry Genetics).